The following is an entry in ClinVar:

NM_000551.4(VHL):c.507A>C (p.Leu169=)

Genes: VHL (von Hippel-Lindau tumor suppressor; plus strand), LOC107303340 (3p25 von Hippel-Lindau tumor suppressor, E3 ubiquitin protein ligase Alu-mediated recombination region; plus strand). Cytogenetic location: 3p25.3.
Variant type: single nucleotide variant.
Coding change: c.507A>C on transcript NM_000551.4 (MANE Select); coding-DNA position 507, A replaced by C.
Protein change: p.Leu169=; no amino-acid change (leucine 169 retained).
Molecular consequence: synonymous variant. On other transcripts: 3 prime UTR variant (1).
Genome position (GRCh38, 1-based): chr3:10,149,830, A>C. VCF-style: chr3-10149830-A-C. GRCh37 (hg19) VCF-style: chr3-10191514-A-C.
Other names: c.*61A>C (NM_001354723.2); c.384A>C, p.Leu128= (NM_198156.3).
Identifiers: ClinVar variation 238110 (VCV000238110.16), dbSNP rs878854126, ClinGen allele CA10582116.

ClinVar aggregate classification (germline): Benign/Likely benign. Review status: criteria provided, multiple submitters, no conflicts (2 of 4 stars). 4 submissions from 4 submitters: Benign (1); Likely benign (3). Last evaluated 2026-01-25.

Conditions:
Chuvash polycythemia. Also called: POLYCYTHEMIA, VHL-DEPENDENT. Identifiers: Orphanet 238557, MedGen C1837915, MONDO:0009892, OMIM 263400.
Von Hippel-Lindau syndrome (VHLS). Also called: von Hippel–Lindau syndrome; VHL syndrome; Von Hippel-Lindau. Identifiers: Orphanet 892, MedGen C0019562, MONDO:0008667, OMIM 193300. Disease mechanism: loss of function.
Hereditary cancer-predisposing syndrome. Also called: Tumor predisposition; Hereditary Cancer Syndrome; Hereditary neoplastic syndrome; Neoplastic Syndromes, Hereditary. Identifiers: Orphanet 140162, MedGen C0027672, MeSH D009386, MONDO:0015356.

Allele frequency attached by ClinVar (database versions not stated): gnomAD exomes below 0.00001; gnomAD 0.00001; TOPMed 0.00003.
gnomAD v4.1: 4 of 1,614,072 alleles (0.00025%); highest among the groups gnomAD compares: East Asian, 0.0022%; no homozygotes.

Submissions (4):

Labcorp Genetics (formerly Invitae), Labcorp
Classification: Likely benign for Von Hippel-Lindau syndrome; Chuvash polycythemia. Last evaluated: 2026-01-25. Review status: criteria provided, single submitter. Criteria: Invitae Variant Classification Sherloc (09022015). Collection method: clinical testing. Allele origin: germline.

Myriad Genetics, Inc.
Classification: Benign for Von Hippel-Lindau syndrome. Last evaluated: 2025-06-13. Review status: criteria provided, single submitter. Criteria: Myriad Autosomal Dominant, Autosomal Recessive and X-Linked Classification Criteria (2023). Collection method: clinical testing. Allele origin: unknown.
Comment: This variant is considered benign. This variant is a silent/synonymous amino acid change and it is not expected to impact splicing.

All of Us Research Program, National Institutes of Health
Classification: Likely benign for Von Hippel-Lindau syndrome. Last evaluated: 2024-07-20. Review status: criteria provided, single submitter. Criteria: ACMG Guidelines, 2015. Collection method: clinical testing. Allele origin: germline. Inheritance: Autosomal dominant inheritance. Observed: 1 variant allele, 1 heterozygote.
Comment: This study involves interpretation of variants in research participants for the purpose of population health screening. Participant phenotype was not available at the time of variant classification. Additional details can be found in publication PMID: 35346344, PMCID: PMC8962531

Ambry Genetics
Classification: Likely benign for Hereditary cancer-predisposing syndrome. Last evaluated: 2022-07-10. Review status: criteria provided, single submitter. Criteria: Ambry Variant Classification Scheme 2023. Collection method: clinical testing. Allele origin: germline.